The following is an entry in ClinVar:

ClinVar aggregate classification (germline): Uncertain significance (1 of 4 stars; one submission).

Allele frequency attached by ClinVar (database versions not stated): TOPMed below 0.00001; gnomAD 0.00001.
gnomAD v4.1: 8 of 1,613,504 alleles (0.0005%); highest among the groups gnomAD compares: Admixed American, 0.0067%; no homozygotes.

Submission:

Labcorp Genetics (formerly Invitae), Labcorp
Classification: Uncertain significance. Last evaluated: 2021-12-02. Review status: criteria provided, single submitter. Criteria: Invitae Variant Classification Sherloc (09022015). Collection method: clinical testing. Allele origin: germline.
Comment: In summary, the available evidence is currently insufficient to determine the role of this variant in disease. Therefore, it has been classified as a Variant of Uncertain Significance. Experimental studies and prediction algorithms are not available or were not evaluated, and the functional significance of this variant is currently unknown. This variant has not been reported in the literature in individuals affected with MAP3K20-related conditions. This variant is present in population databases (no rsID available, gnomAD 0.01%). This sequence change replaces valine, which is neutral and non-polar, with isoleucine, which is neutral and non-polar, at codon 514 of the MAP3K20 protein (p.Val514Ile).

NM_016653.3(MAP3K20):c.1540G>A (p.Val514Ile)

Genes: MAP3K20 (mitogen-activated protein kinase kinase kinase 20; plus strand), MAP3K20-AS1 (MAP3K20 antisense RNA 1; minus strand). Cytogenetic location: 2q31.1.
Variant type: single nucleotide variant.
Coding change: c.1540G>A on transcript NM_016653.3 (MANE Select); coding-DNA position 1540, G replaced by A.
Protein change: p.Val514Ile; replaces valine 514 with isoleucine.
Molecular consequence: missense variant.
Genome position (GRCh38, 1-based): chr2:173,261,126, G>A. VCF-style: chr2-173261126-G-A. GRCh37 (hg19) VCF-style: chr2-174125854-G-A.
Other names: short protein forms V514I.
Identifiers: ClinVar variation 1466620 (VCV001466620.4), dbSNP rs955598509, ClinGen allele CA60780760.
Genomic context (GRCh38, chr2:173,261,126, plus strand): 5'-CCATTTGTAATGGAGAAGTGGATTGTAGGAATAGCAAAAAGTCAGACTGTGGAGTGCACT[G>A]TCACATATGAGGTAAGCTCTGGGGGCAAGAGGCTGGTGGCCTCACCATCAGTTAATGAAT-3'
Protein context (NP_057737.2, residues 504-524): IAKSQTVECT[Val514Ile]TYESDVRTPK